The following is an entry in ClinVar:

NM_000245.4(MET):c.1179T>C (p.Asn393=)

Gene: MET (MET proto-oncogene, receptor tyrosine kinase; plus strand). Cytogenetic location: 7q31.2.
Variant type: single nucleotide variant.
Coding change: c.1179T>C on transcript NM_000245.4 (MANE Select); coding-DNA position 1179, T replaced by C.
Protein change: p.Asn393=; no amino-acid change (asparagine 393 retained).
Molecular consequence: synonymous variant. On other transcripts: intron variant (1).
Genome position (GRCh38, 1-based): chr7:116,700,263, T>C. VCF-style: chr7-116700263-T-C. GRCh37 (hg19) VCF-style: chr7-116340317-T-C.
Other names: c.1179T>C, p.Asn393= (NM_001127500.3, NM_001324401.3); c.-91+27686T>C (NM_001324402.2).
Identifiers: ClinVar variation 1741649 (VCV001741649.6), dbSNP rs1430726033, ClinGen allele CA457448168.

ClinVar aggregate classification (germline): Benign/Likely benign. Review status: criteria provided, multiple submitters, no conflicts (2 of 4 stars). 3 submissions from 3 submitters: Benign (1); Likely benign (2). Last evaluated 2024-11-07.

Conditions:
Hereditary cancer-predisposing syndrome. Also called: Hereditary Cancer Syndrome; Hereditary neoplastic syndrome; Neoplastic Syndromes, Hereditary; Tumor predisposition. Identifiers: Orphanet 140162, MedGen C0027672, MeSH D009386, MONDO:0015356.
Renal cell carcinoma. Identifiers: Orphanet 217071, MedGen C0007134, MeSH D002292, MONDO:0005086, HP:0005584.
Papillary renal cell carcinoma type 1 (RCCP1). Also called: Renal adenocarcinoma; Renal cell carcinoma 1; Renal cell carcinoma, somatic; RENAL CELL CARCINOMA, PAPILLARY, 1, SOMATIC. Identifiers: Orphanet 47044, MedGen C1336839, OMIM 605074, HP:0011797.

Allele frequency attached by ClinVar (database versions not stated): gnomAD exomes below 0.00001.
gnomAD v4.1: 1 of 1,603,156 alleles (0.000062%); highest among the groups gnomAD compares: Non-Finnish European, 0.000085%; no homozygotes.

Submissions (3):

Myriad Genetics, Inc.
Classification: Benign for Papillary renal cell carcinoma type 1. Last evaluated: 2024-11-07. Review status: criteria provided, single submitter. Criteria: Myriad Autosomal Dominant, Autosomal Recessive and X-Linked Classification Criteria (2023). Collection method: clinical testing. Allele origin: unknown.
Comment: This variant is considered benign. This variant is a silent/synonymous amino acid change and it is not expected to impact splicing.

Labcorp Genetics (formerly Invitae), Labcorp
Classification: Likely benign for Renal cell carcinoma. Last evaluated: 2024-04-15. Review status: criteria provided, single submitter. Criteria: Invitae Variant Classification Sherloc (09022015). Collection method: clinical testing. Allele origin: germline.

Ambry Genetics
Classification: Likely benign for Hereditary cancer-predisposing syndrome. Last evaluated: 2021-10-07. Review status: criteria provided, single submitter. Criteria: Ambry Variant Classification Scheme 2023. Collection method: clinical testing. Allele origin: germline.